The following is an entry in ClinVar:

ClinVar aggregate classification (germline): Uncertain significance. Review status: criteria provided, multiple submitters, no conflicts (2 of 4 stars). 5 submissions from 5 submitters: Uncertain significance (5). Last evaluated 2025-08-04.

Conditions:
Hereditary cancer-predisposing syndrome. Also called: Hereditary Cancer Syndrome; Tumor predisposition; Hereditary neoplastic syndrome; Neoplastic Syndromes, Hereditary. Identifiers: Orphanet 140162, MedGen C0027672, MeSH D009386, MONDO:0015356.
BAP1-related tumor predisposition syndrome (TPDS1). Also called: BAP1 tumor predisposition syndrome; COMMON Syndrome; Tumor susceptibility linked to germline BAP1 mutations; TUMOR PREDISPOSITION SYNDROME 1. Identifiers: Orphanet 289539, MedGen C3280492, MONDO:0013692, OMIM 614327.

gnomAD v4.1: 2 of 1,610,636 alleles (0.00012%); highest among the groups gnomAD compares: Non-Finnish European, 0.00017%; no homozygotes.

Submissions (5):

Ambry Genetics
Classification: Uncertain significance for Hereditary cancer-predisposing syndrome. Last evaluated: 2025-08-04. Review status: criteria provided, single submitter. Criteria: Ambry Variant Classification Scheme 2023. Collection method: clinical testing. Allele origin: germline.
Comment: The p.L6P variant (also known as c.17T>C), located in coding exon 1 of the BAP1 gene, results from a T to C substitution at nucleotide position 17. The leucine at codon 6 is replaced by proline, an amino acid with similar properties. This amino acid position is highly conserved in available vertebrate species. In addition, this alteration is predicted to be deleterious by in silico analysis. Based on the available evidence, the clinical significance of this variant remains unclear.

GeneDx
Classification: Uncertain significance. Last evaluated: 2025-06-29. Review status: criteria provided, single submitter. Criteria: GeneDx Variant Classification Process June 2021. Collection method: clinical testing. Allele origin: germline. Affected: yes.
Comment: Not observed at significant frequency in large population cohorts (gnomAD); In silico analysis supports that this missense variant has a deleterious effect on protein structure/function; Has not been previously published as pathogenic or benign to our knowledge

Labcorp Genetics (formerly Invitae), Labcorp
Classification: Uncertain significance for BAP1-related tumor predisposition syndrome. Last evaluated: 2024-04-03. Review status: criteria provided, single submitter. Criteria: Invitae Variant Classification Sherloc (09022015). Collection method: clinical testing. Allele origin: germline.
Comment: This sequence change replaces leucine, which is neutral and non-polar, with proline, which is neutral and non-polar, at codon 6 of the BAP1 protein (p.Leu6Pro). This variant is not present in population databases (gnomAD no frequency). This variant has not been reported in the literature in individuals affected with BAP1-related conditions. ClinVar contains an entry for this variant (Variation ID: 1053786). Advanced modeling of protein sequence and biophysical properties (such as structural, functional, and spatial information, amino acid conservation, physicochemical variation, residue mobility, and thermodynamic stability) performed at Invitae indicates that this missense variant is expected to disrupt BAP1 protein function with a positive predictive value of 80%. In summary, the available evidence is currently insufficient to determine the role of this variant in disease. Therefore, it has been classified as a Variant of Uncertain Significance.

Department of Pathology and Laboratory Medicine, Sinai Health System
Classification: Uncertain significance for BAP1-related tumor predisposition syndrome. Last evaluated: 2024-01-12. Review status: criteria provided, single submitter. Criteria: ACMG Guidelines, 2015. Collection method: clinical testing. Allele origin: germline. Affected: yes.

Baylor Genetics
Classification: Uncertain significance for BAP1-related tumor predisposition syndrome. Last evaluated: 2023-09-27. Review status: criteria provided, single submitter. Criteria: ACMG Guidelines, 2015. Collection method: clinical testing. Allele origin: unknown.

NM_004656.4(BAP1):c.17T>C (p.Leu6Pro)

Gene: BAP1 (BRCA1 associated deubiquitinase 1; minus strand). Cytogenetic location: 3p21.1.
Variant type: single nucleotide variant.
Coding change: c.17T>C on transcript NM_004656.4 (MANE Select); coding-DNA position 17, T replaced by C.
Protein change: p.Leu6Pro; replaces leucine 6 with proline.
Molecular consequence: missense variant.
Genome position (GRCh38, 1-based): chr3:52,409,862, A>G on the plus strand (T>C on the coding strand, the complement: BAP1 is on the minus strand). VCF-style: chr3-52409862-A-G. GRCh37 (hg19) VCF-style: chr3-52443878-A-G.
Other names: short protein forms L6P.
Identifiers: ClinVar variation 1053786 (VCV001053786.15), dbSNP rs2153228689, ClinGen allele CA353115122.